The following is an entry in ClinVar:

NM_000210.4(ITGA6):c.378del (p.Lys127fs)

Genes: PDK1-AS1 (PDK1 and ITGA6 antisense RNA 1; minus strand), ITGA6 (integrin subunit alpha 6; plus strand). Cytogenetic location: 2q31.1.
Variant type: Deletion.
Coding change: c.378del on transcript NM_000210.4 (MANE Select); coding-DNA position 378, one base deleted (C; older notation c.378delC).
Protein change: p.Lys127fs; shifts the reading frame from lysine 127.
Molecular consequence: frameshift variant.
Genome position (GRCh38, 1-based): chr2:172,467,551, C deleted. VCF-style (leftmost placement, unchanged base first): chr2-172467550-GC-G. GRCh37 (hg19) VCF-style: chr2-173332278-GC-G.
Other names: c.378del, p.Lys127fs (NM_001079818.3, NM_001365529.2, NM_001365530.2 and 1 more transcripts); c.36del, p.Lys13fs (NM_001316306.2); short protein forms K127fs, K13fs.
Identifiers: ClinVar variation 2704157 (VCV002704157.3), dbSNP rs2468291275, ClinGen allele CA2697551334.

ClinVar aggregate classification (germline): Pathogenic (1 of 4 stars; one submission).

Submission:

Labcorp Genetics (formerly Invitae), Labcorp
Classification: Pathogenic. Last evaluated: 2023-12-19. Review status: criteria provided, single submitter. Criteria: Invitae Variant Classification Sherloc (09022015). Collection method: clinical testing. Allele origin: germline.
Comment: This sequence change creates a premature translational stop signal (p.Lys127Argfs*3) in the ITGA6 gene. It is expected to result in an absent or disrupted protein product. Loss-of-function variants in ITGA6 are known to be pathogenic (PMID: 9158140, 9185503, 9804362, 27607025). This variant is not present in population databases (gnomAD no frequency). This variant has not been reported in the literature in individuals affected with ITGA6-related conditions. For these reasons, this variant has been classified as Pathogenic.

Literature cited by the submitters: PubMed 9158140; PubMed 9185503; PubMed 9804362; PubMed 27607025.